The following is an entry in ClinVar:

NM_025216.3(WNT10A):c.259C>T (p.Gln87Ter)

Gene: WNT10A (Wnt family member 10A; plus strand). Cytogenetic location: 2q35.
Variant type: single nucleotide variant.
Coding change: c.259C>T on transcript NM_025216.3 (MANE Select); coding-DNA position 259, C replaced by T.
Protein change: p.Gln87Ter; replaces glutamine 87 with a stop codon.
Molecular consequence: nonsense.
Genome position (GRCh38, 1-based): chr2:218,882,306, C>T. VCF-style: chr2-218882306-C-T. GRCh37 (hg19) VCF-style: chr2-219747028-C-T.
Other names: short protein forms Q87*.
Identifiers: ClinVar variation 3750187 (VCV003750187.2).

ClinVar aggregate classification (germline): Pathogenic (1 of 4 stars; one submission).

Conditions:
Tooth agenesis, selective, 4 (STHAG4). Also called: LATERAL INCISORS, ABSENCE OF; LATERAL INCISORS, PEGGED OR MISSING; SUCCEDANEOUS TEETH, AGENESIS OF; TOOTH AGENESIS, SELECTIVE, 4, WITH OR WITHOUT ECTODERMAL DYSPLASIA. Identifiers: Orphanet 99798, MedGen C1835492, MONDO:0007881, OMIM 150400. Disease mechanism: loss of function.
Odonto-onycho-dermal dysplasia. Identifiers: Orphanet 2721, MedGen C0796093, MONDO:0009773, OMIM 257980.

Submission:

Labcorp Genetics (formerly Invitae), Labcorp
Classification: Pathogenic for Tooth agenesis, selective, 4; Odonto-onycho-dermal dysplasia. Last evaluated: 2024-02-13. Review status: criteria provided, single submitter. Criteria: Invitae Variant Classification Sherloc (09022015). Collection method: clinical testing. Allele origin: germline.
Comment: This sequence change creates a premature translational stop signal (p.Gln87*) in the WNT10A gene. It is expected to result in an absent or disrupted protein product. Loss-of-function variants in WNT10A are known to be pathogenic (PMID: 17847007, 22581971, 25629078). This variant is not present in population databases (gnomAD no frequency). This variant has not been reported in the literature in individuals affected with WNT10A-related conditions. For these reasons, this variant has been classified as Pathogenic.

Literature cited by the submitters: PubMed 17847007; PubMed 22581971; PubMed 25629078.